The following is an entry in ClinVar:

NM_001367823.1(ARHGEF18):c.2128G>A (p.Asp710Asn)

Gene: ARHGEF18 (Rho/Rac guanine nucleotide exchange factor 18; plus strand). Cytogenetic location: 19p13.2.
Variant type: single nucleotide variant.
Coding change: c.2128G>A on transcript NM_001367823.1 (MANE Select); coding-DNA position 2128, G replaced by A.
Protein change: p.Asp710Asn; replaces aspartic acid 710 with asparagine.
Molecular consequence: missense variant.
Genome position (GRCh38, 1-based): chr19:7,456,350, G>A. VCF-style: chr19-7456350-G-A. GRCh37 (hg19) VCF-style: chr19-7521236-G-A.
Other names: c.1402G>A, p.Asp468Asn (NM_001130955.2); c.1090G>A, p.Asp364Asn (NM_001367824.1, NM_015318.4); c.1564G>A (NM_001130955.1); short protein forms D468N, D710N, D364N.
Identifiers: ClinVar variation 1519020 (VCV001519020.7), dbSNP rs769632300, ClinGen allele CA9136725.
Genomic context (GRCh38, chr19:7,456,350, plus strand): 5'-GACTTTTAAGATGCATCCTTCCATGCTGTTTTCCCAGATATCCTGGCTATCCTGCTGACC[G>A]ACGTACTTTTGCTGCTACAAGAAAAAGATCAGAAATACGTCTTTGCTTCTGTGGTATGTA-3'
Protein context (NP_001354752.1, residues 700-720): LKDILAILLT[Asp710Asn]VLLLLQEKDQ

ClinVar aggregate classification (germline): Uncertain significance. Review status: criteria provided, multiple submitters, no conflicts (2 of 4 stars). 3 submissions from 3 submitters: Uncertain significance (3). Last evaluated 2025-08-20.

Conditions:
Inborn genetic diseases. Identifiers: MedGen C0950123, MeSH D030342.

Allele frequency attached by ClinVar (database versions not stated): gnomAD exomes below 0.00001 and 0.00001; gnomAD 0.00001; TOPMed 0.00001; ExAC 0.00002.
gnomAD v4.1: 7 of 1,614,038 alleles (0.00043%); highest among the groups gnomAD compares: Non-Finnish European, 0.00059%; no homozygotes.

Submissions (3):

Ambry Genetics
Classification: Uncertain significance for Inborn genetic diseases. Last evaluated: 2025-08-20. Review status: criteria provided, single submitter. Criteria: Ambry Variant Classification Scheme 2023. Collection method: clinical testing. Allele origin: germline.

Blueprint Genetics
Classification: Uncertain significance. Last evaluated: 2024-05-28. Review status: criteria provided, single submitter. Criteria: ACMG Guidelines, 2015. Collection method: clinical testing. Allele origin: germline.

Labcorp Genetics (formerly Invitae), Labcorp
Classification: Uncertain significance. Last evaluated: 2021-08-24. Review status: criteria provided, single submitter. Criteria: Invitae Variant Classification Sherloc (09022015). Collection method: clinical testing. Allele origin: germline.
Comment: This sequence change replaces aspartic acid with asparagine at codon 522 of the ARHGEF18 protein (p.Asp522Asn). The aspartic acid residue is highly conserved and there is a small physicochemical difference between aspartic acid and asparagine. This variant is present in population databases (rs769632300, ExAC 0.003%). This variant has not been reported in the literature in individuals affected with ARHGEF18-related conditions. Algorithms developed to predict the effect of missense changes on protein structure and function are either unavailable or do not agree on the potential impact of this missense change (SIFT: "Deleterious"; PolyPhen-2: "Probably Damaging"; Align-GVGD: "Class C15"). In summary, the available evidence is currently insufficient to determine the role of this variant in disease. Therefore, it has been classified as a Variant of Uncertain Significance.